The following is an entry in ClinVar:

NM_012213.3(MLYCD):c.638G>T (p.Ser213Ile)

Gene: MLYCD (malonyl-CoA decarboxylase; plus strand). Cytogenetic location: 16q23.3.
Variant type: single nucleotide variant.
Coding change: c.638G>T on transcript NM_012213.3 (MANE Select); coding-DNA position 638, G replaced by T.
Protein change: p.Ser213Ile; replaces serine 213 with isoleucine.
Molecular consequence: missense variant.
Genome position (GRCh38, 1-based): chr16:83,907,096, G>T. VCF-style: chr16-83907096-G-T. GRCh37 (hg19) VCF-style: chr16-83940701-G-T.
Other names: short protein forms S213I.
Identifiers: ClinVar variation 1993294 (VCV001993294.3), dbSNP rs1371831725, ClinGen allele CA396918748.

ClinVar aggregate classification (germline): Uncertain significance (1 of 4 stars; one submission).

Conditions:
Deficiency of malonyl-CoA decarboxylase. Also called: Malonic aciduria; MCD deficiency. Identifiers: Orphanet 943, MedGen C0342793, MONDO:0009556, OMIM 248360.

gnomAD v4.1: 1 of 1,610,106 alleles (0.000062%); highest among the groups gnomAD compares: Non-Finnish European, 0.000085%; no homozygotes.

Submission:

Labcorp Genetics (formerly Invitae), Labcorp
Classification: Uncertain significance for Deficiency of malonyl-CoA decarboxylase. Last evaluated: 2022-10-17. Review status: criteria provided, single submitter. Criteria: Invitae Variant Classification Sherloc (09022015). Collection method: clinical testing. Allele origin: germline.
Comment: This sequence change replaces serine, which is neutral and polar, with isoleucine, which is neutral and non-polar, at codon 213 of the MLYCD protein (p.Ser213Ile). In summary, the available evidence is currently insufficient to determine the role of this variant in disease. Therefore, it has been classified as a Variant of Uncertain Significance. Algorithms developed to predict the effect of sequence changes on RNA splicing suggest that this variant may disrupt the consensus splice site. Algorithms developed to predict the effect of missense changes on protein structure and function are either unavailable or do not agree on the potential impact of this missense change (SIFT: "Deleterious"; PolyPhen-2: "Possibly Damaging"; Align-GVGD: "Class C15"). This variant has not been reported in the literature in individuals affected with MLYCD-related conditions. This variant is not present in population databases (gnomAD no frequency).